The following is an entry in ClinVar:

NM_005908.4(MANBA):c.1255T>C (p.Cys419Arg)

Gene: MANBA (mannosidase beta; minus strand). Cytogenetic location: 4q24.
Variant type: single nucleotide variant.
Coding change: c.1255T>C on transcript NM_005908.4 (MANE Select); coding-DNA position 1255, T replaced by C.
Protein change: p.Cys419Arg; replaces cysteine 419 with arginine.
Molecular consequence: missense variant.
Genome position (GRCh38, 1-based): chr4:102,669,025, A>G on the plus strand (T>C on the coding strand, the complement: MANBA is on the minus strand). VCF-style: chr4-102669025-A-G. GRCh37 (hg19) VCF-style: chr4-103590182-A-G.
Other names: short protein forms C419R.
Identifiers: ClinVar variation 1910462 (VCV001910462.2), dbSNP rs2476779475, ClinGen allele CA357762171.

ClinVar aggregate classification (germline): Uncertain significance (1 of 4 stars; one submission).

Conditions:
Beta-D-mannosidosis (MANSB). Also called: MANNOSIDOSIS, BETA A, LYSOSOMAL; BETA-MANNOSIDASE DEFICIENCY; LYSOSOMAL BETA-MANNOSIDASE DEFICIENCY; Beta-Mannosidosis. Identifiers: Orphanet 118, MedGen C4048196, MONDO:0009562, OMIM 248510.

Submission:

Labcorp Genetics (formerly Invitae), Labcorp
Classification: Uncertain significance for Beta-D-mannosidosis. Last evaluated: 2022-07-09. Review status: criteria provided, single submitter. Criteria: Invitae Variant Classification Sherloc (09022015). Collection method: clinical testing. Allele origin: germline.
Comment: This sequence change replaces cysteine, which is neutral and slightly polar, with arginine, which is basic and polar, at codon 419 of the MANBA protein (p.Cys419Arg). This variant is not present in population databases (gnomAD no frequency). This variant has not been reported in the literature in individuals affected with MANBA-related conditions. Algorithms developed to predict the effect of missense changes on protein structure and function are either unavailable or do not agree on the potential impact of this missense change (SIFT: "Deleterious"; PolyPhen-2: "Probably Damaging"; Align-GVGD: "Class C0"). In summary, the available evidence is currently insufficient to determine the role of this variant in disease. Therefore, it has been classified as a Variant of Uncertain Significance.